The following is an entry in ClinVar:

ClinVar aggregate classification (germline): Uncertain significance (1 of 4 stars; one submission).

Submission:

Labcorp Genetics (formerly Invitae), Labcorp
Classification: Uncertain significance. Last evaluated: 2025-03-27. Review status: criteria provided, single submitter. Criteria: Invitae Variant Classification Sherloc (09022015). Collection method: clinical testing. Allele origin: germline.
Comment: This sequence change replaces phenylalanine, which is neutral and non-polar, with serine, which is neutral and polar, at codon 434 of the ERMARD protein (p.Phe434Ser). This variant is not present in population databases (gnomAD no frequency). This variant has not been reported in the literature in individuals affected with ERMARD-related conditions. Invitae Evidence Modeling of protein sequence and biophysical properties (such as structural, functional, and spatial information, amino acid conservation, physicochemical variation, residue mobility, and thermodynamic stability) indicates that this missense variant is not expected to disrupt ERMARD protein function with a negative predictive value of 80%. In summary, the available evidence is currently insufficient to determine the role of this variant in disease. Therefore, it has been classified as a Variant of Uncertain Significance.

NM_018341.3(ERMARD):c.1301T>C (p.Phe434Ser)

Gene: ERMARD (ER membrane associated RNA degradation; plus strand). Cytogenetic location: 6q27.
Variant type: single nucleotide variant.
Coding change: c.1301T>C on transcript NM_018341.3 (MANE Select); coding-DNA position 1301, T replaced by C.
Protein change: p.Phe434Ser; replaces phenylalanine 434 with serine.
Molecular consequence: missense variant.
Genome position (GRCh38, 1-based): chr6:169,773,386, T>C. VCF-style: chr6-169773386-T-C. GRCh37 (hg19) VCF-style: chr6-170173482-T-C.
Other names: c.1301T>C, p.Phe434Ser (NM_001278531.2, NM_001278533.2); c.923T>C, p.Phe308Ser (NM_001278532.2); c.893T>C, p.Phe298Ser (NM_001410957.1); short protein forms F298S, F308S, F434S.
Identifiers: ClinVar variation 3627879 (VCV003627879.2).